The following is an entry in ClinVar:

NM_000540.3(RYR1):c.7214+10C>T

Gene: RYR1 (ryanodine receptor 1; plus strand). Cytogenetic location: 19q13.2.
Variant type: single nucleotide variant.
Coding change: c.7214+10C>T on transcript NM_000540.3 (MANE Select); 10 bases into the intron after coding-DNA position 7214, C replaced by T.
Molecular consequence: intron variant.
Genome position (GRCh38, 1-based): chr19:38,499,831, C>T. VCF-style: chr19-38499831-C-T. GRCh37 (hg19) VCF-style: chr19-38990471-C-T.
Other names: c.7214+10C>T (NM_001042723.2).
Identifiers: ClinVar variation 3046989 (VCV003046989.2), dbSNP rs747640588, ClinGen allele CA069249.

ClinVar aggregate classification (germline): Likely benign (0 of 4 stars; one submission).

Conditions:
RYR1-related disorder. Also called: RYR1-related condition; RYR1-related disorders. Identifiers: MedGen CN239331.

Allele frequency attached by ClinVar (database versions not stated): gnomAD exomes below 0.00001; ExAC 0.00001.
gnomAD v4.1: 1 of 1,609,016 alleles (0.000062%); highest among the groups gnomAD compares: Non-Finnish European, 0.000085%; no homozygotes.

Submission:

PreventionGenetics, part of Exact Sciences
Classification: Likely benign for RYR1-related condition. Last evaluated: 2020-03-24. Review status: no assertion criteria provided. Collection method: clinical testing. Allele origin: germline.
Comment: This variant is classified as likely benign based on ACMG/AMP sequence variant interpretation guidelines (Richards et al. 2015 PMID: 25741868, with internal and published modifications).